The following is an entry in ClinVar:

ClinVar aggregate classification (germline): Uncertain significance (1 of 4 stars; one submission).

Conditions:
Joubert syndrome. Also called: CEREBELLOPARENCHYMAL DISORDER IV; JOUBERT-BOLTSHAUSER SYNDROME; Familial aplasia of the vermis. Identifiers: Orphanet 475, MedGen C5979921, MONDO:0018772.
Meckel-Gruber syndrome. Also called: DYSENCEPHALIA SPLANCHNOCYSTICA; GRUBER SYNDROME; Dysencephalia splachnocystica. Identifiers: Orphanet 564, MedGen C0265215, MONDO:0018921.
Nephronophthisis. Also called: Juvenile Nephronophthisis. Identifiers: Orphanet 655, MedGen C0687120, MONDO:0019005, HP:0000090.
Joubert syndrome 5 (JBTS5). Identifiers: Orphanet 2318, MedGen C1857780, MONDO:0012432, OMIM 610188.
Bardet-Biedl syndrome 14 (BBS14). Identifiers: Orphanet 110, MedGen C2673874, MONDO:0014442, OMIM 615991.
Leber congenital amaurosis 10 (LCA10). Identifiers: Orphanet 65, MedGen C1857821, MONDO:0012723, OMIM 611755.

Submission:

Labcorp Genetics (formerly Invitae), Labcorp
Classification: Uncertain significance for Joubert syndrome; Meckel-Gruber syndrome; Nephronophthisis. Last evaluated: 2022-08-17. Review status: criteria provided, single submitter. Criteria: Invitae Variant Classification Sherloc (09022015). Collection method: clinical testing. Allele origin: germline.
Comment: This sequence change replaces leucine, which is neutral and non-polar, with valine, which is neutral and non-polar, at codon 2075 of the CEP290 protein (p.Leu2075Val). This variant is not present in population databases (gnomAD no frequency). This variant has not been reported in the literature in individuals affected with CEP290-related conditions. Algorithms developed to predict the effect of missense changes on protein structure and function (SIFT, PolyPhen-2, Align-GVGD) all suggest that this variant is likely to be disruptive. Algorithms developed to predict the effect of sequence changes on RNA splicing suggest that this variant may create or strengthen a splice site. In summary, the available evidence is currently insufficient to determine the role of this variant in disease. Therefore, it has been classified as a Variant of Uncertain Significance.

NM_025114.4(CEP290):c.6223C>G (p.Leu2075Val)

Gene: CEP290 (centrosomal protein 290; minus strand). Cytogenetic location: 12q21.32.
Variant type: single nucleotide variant.
Coding change: c.6223C>G on transcript NM_025114.4 (MANE Select); coding-DNA position 6223, C replaced by G.
Protein change: p.Leu2075Val; replaces leucine 2075 with valine.
Molecular consequence: missense variant.
Genome position (GRCh38, 1-based): chr12:88,064,028, G>C on the plus strand (C>G on the coding strand, the complement: CEP290 is on the minus strand). VCF-style: chr12-88064028-G-C. GRCh37 (hg19) VCF-style: chr12-88457805-G-C.
Other names: c.6223C>G (NM_025114.3); short protein forms L2075V.
Identifiers: ClinVar variation 1983835 (VCV001983835.2), dbSNP rs2499618517, ClinGen allele CA385979655.